The following is an entry in ClinVar:

NM_000038.6(APC):c.2813C>G (p.Thr938Ser)

Gene: APC (APC regulator of Wnt signaling pathway; plus strand). Cytogenetic location: 5q22.2.
Variant type: single nucleotide variant.
Coding change: c.2813C>G on transcript NM_000038.6 (MANE Select); coding-DNA position 2813, C replaced by G.
Protein change: p.Thr938Ser; replaces threonine 938 with serine.
Molecular consequence: missense variant.
Genome position (GRCh38, 1-based): chr5:112,838,407, C>G. VCF-style: chr5-112838407-C-G. GRCh37 (hg19) VCF-style: chr5-112174104-C-G.
Other names: c.2813C>G, p.Thr938Ser (NM_001127510.3, NM_001354895.2); c.2759C>G, p.Thr920Ser (NM_001127511.3); c.2867C>G, p.Thr956Ser (NM_001354896.2); c.2843C>G, p.Thr948Ser (NM_001354897.2); c.2738C>G, p.Thr913Ser (NM_001354898.2); c.2729C>G, p.Thr910Ser (NM_001354899.2); c.2690C>G, p.Thr897Ser (NM_001354900.2); c.2636C>G, p.Thr879Ser (NM_001354901.2); and 5 more; short protein forms T920S, T938S, T812S, T956S, T948S, T655S, T778S, T837S.
Identifiers: ClinVar variation 485099 (VCV000485099.22), dbSNP rs1554084496, ClinGen allele CA16027467.
Genomic context (GRCh38, chr5:112,838,407, plus strand): 5'-AGAGAAATGCACTTAGAAGAAGCTCTGCTGCCCATACACATTCAAACACTTACAATTTCA[C>G]TAAGTCGGAAAATTCAAATAGGACATGTTCTATGCCTTATGCCAAATTAGAATACAAGAG-3'
Protein context (NP_000029.2, residues 928-948): AHTHSNTYNF[Thr938Ser]KSENSNRTCS

ClinVar aggregate classification (germline): Uncertain significance. Review status: criteria provided, multiple submitters, no conflicts (2 of 4 stars). 8 submissions from 8 submitters: Uncertain significance (8). Last evaluated 2026-01-18.

Conditions:
Familial adenomatous polyposis 1 (FAP1). Also called: FAMILIAL ADENOMATOUS POLYPOSIS 1, ATTENUATED; POLYPOSIS, ADENOMATOUS INTESTINAL. Identifiers: MedGen C2713442, MONDO:0021056, OMIM 175100. Disease mechanism: loss of function.
Hereditary cancer-predisposing syndrome. Also called: Neoplastic Syndromes, Hereditary; Tumor predisposition; Hereditary Cancer Syndrome; Hereditary neoplastic syndrome. Identifiers: Orphanet 140162, MedGen C0027672, MeSH D009386, MONDO:0015356.
Classic or attenuated familial adenomatous polyposis. Identifiers: MedGen CN372698, MONDO:0021057.

Allele frequency attached by ClinVar (database versions not stated): gnomAD 0.00002; TOPMed 0.00003.
gnomAD v4.1: 4 of 1,614,072 alleles (0.00025%); highest among the groups gnomAD compares: Admixed American, 0.005%; no homozygotes.

Submissions (8):

Labcorp Genetics (formerly Invitae), Labcorp
Classification: Uncertain significance for Familial adenomatous polyposis 1. Last evaluated: 2026-01-18. Review status: criteria provided, single submitter. Criteria: Invitae Variant Classification Sherloc (09022015). Collection method: clinical testing. Allele origin: germline.
Comment: This sequence change replaces threonine, which is neutral and polar, with serine, which is neutral and polar, at codon 938 of the APC protein (p.Thr938Ser). This variant is not present in population databases (gnomAD no frequency). This variant has not been reported in the literature in individuals affected with APC-related conditions. ClinVar contains an entry for this variant (Variation ID: 485099). Invitae Evidence Modeling of protein sequence and biophysical properties (such as structural, functional, and spatial information, amino acid conservation, physicochemical variation, residue mobility, and thermodynamic stability) indicates that this missense variant is not expected to disrupt APC protein function with a negative predictive value of 95%. RNA analysis performed to evaluate the impact of this missense change on mRNA splicing indicates it does not significantly alter splicing (internal data). In summary, the available evidence is currently insufficient to determine the role of this variant in disease. Therefore, it has been classified as a Variant of Uncertain Significance.

Women's Health and Genetics/Laboratory Corporation of America, LabCorp
Classification: Uncertain significance. Last evaluated: 2025-07-18. Review status: criteria provided, single submitter. Criteria: LabCorp Variant Classification Summary - May 2015. Collection method: clinical testing. Allele origin: germline.

Ambry Genetics
Classification: Uncertain significance for Hereditary cancer-predisposing syndrome. Last evaluated: 2025-03-21. Review status: criteria provided, single submitter. Criteria: Ambry Variant Classification Scheme 2023. Collection method: clinical testing. Allele origin: germline.
Comment: The p.T938S variant (also known as c.2813C>G), located in coding exon 15 of the APC gene, results from a C to G substitution at nucleotide position 2813. The threonine at codon 938 is replaced by serine, an amino acid with similar properties. This amino acid position is not well conserved in available vertebrate species. In addition, in silico predictors for this gene do not accurately predict pathogenicity. Based on the available evidence, the clinical significance of this variant remains unclear.

Color Diagnostics, LLC DBA Color Health
Classification: Uncertain significance for Hereditary cancer-predisposing syndrome. Last evaluated: 2024-03-06. Review status: criteria provided, single submitter. Criteria: ACMG Guidelines, 2015. Collection method: clinical testing. Allele origin: germline.
Comment: This missense variant replaces threonine with serine at codon 938 of the APC protein. Computational prediction suggests that this variant may not impact protein structure and function (internally defined REVEL score threshold <= 0.5, PMID: 27666373). To our knowledge, functional studies have not been reported for this variant. This variant has not been reported in individuals affected with APC-related disorders in the literature. This variant has not been identified in the general population by the Genome Aggregation Database (gnomAD). The available evidence is insufficient to determine the role of this variant in disease conclusively. Therefore, this variant is classified as a Variant of Uncertain Significance.

All of Us Research Program, National Institutes of Health
Classification: Uncertain significance for Classic or attenuated familial adenomatous polyposis. Last evaluated: 2023-11-20. Review status: criteria provided, single submitter. Criteria: ACMG Guidelines, 2015. Collection method: clinical testing. Allele origin: germline. Inheritance: Autosomal dominant inheritance. Observed: 1 variant allele, 1 heterozygote.
Comment: This missense variant replaces threonine with serine at codon 938 of the APC protein. Computational prediction suggests that this variant may not impact protein structure and function (internally defined REVEL score threshold <= 0.5, PMID: 27666373). To our knowledge, functional studies have not been reported for this variant. This variant has not been reported in individuals affected with APC-related disorders in the literature. This variant has not been identified in the general population by the Genome Aggregation Database (gnomAD). The available evidence is insufficient to determine the role of this variant in disease conclusively. Therefore, this variant is classified as a Variant of Uncertain Significance.

This study involves interpretation of variants in research participants for the purpose of population health screening. Participant phenotype was not available at the time of variant classification. Additional details can be found in publication PMID: 35346344, PMCID: PMC8962531

Baylor Genetics
Classification: Uncertain significance for Familial adenomatous polyposis 1. Last evaluated: 2023-09-28. Review status: criteria provided, single submitter. Criteria: ACMG Guidelines, 2015. Collection method: clinical testing. Allele origin: unknown.

GeneDx
Classification: Uncertain significance. Last evaluated: 2022-08-16. Review status: criteria provided, single submitter. Criteria: GeneDx Variant Classification Process June 2021. Collection method: clinical testing. Allele origin: germline. Affected: yes.
Comment: Not observed at significant frequency in large population cohorts (gnomAD); In silico analysis supports that this missense variant does not alter protein structure/function; Has not been previously published as pathogenic or benign to our knowledge

Quest Diagnostics Nichols Institute San Juan Capistrano
Classification: Uncertain significance. Last evaluated: 2018-11-21. Review status: criteria provided, single submitter. Criteria: Quest Diagnostics criteria. Collection method: clinical testing. Allele origin: germline.